The following is an entry in ClinVar:

ClinVar aggregate classification (germline): Pathogenic (1 of 4 stars; one submission).

Conditions:
Developmental delay with or without intellectual impairment or behavioral abnormalities. Identifiers: MedGen C5562004, MONDO:0859199, OMIM 619575.

Submission:

Institute of Human Genetics, University of Leipzig Medical Center
Classification: Pathogenic for Developmental delay with or without intellectual impairment or behavioral abnormalities. Last evaluated: 2025-03-03. Review status: criteria provided, single submitter. Criteria: ACMG Guidelines, 2015. Collection method: clinical testing. Allele origin: de novo. Inheritance: Autosomal dominant inheritance. Affected: yes.
Comment: Criteria applied: PVS1,PS2_MOD, PM2

NM_020791.4(TAOK1):c.307-14A>G

Gene: TAOK1 (TAO kinase 1; plus strand). Cytogenetic location: 17q11.2.
Variant type: single nucleotide variant.
Coding change: c.307-14A>G on transcript NM_020791.4 (MANE Select); 14 bases into the intron before coding-DNA position 307, A replaced by G.
Molecular consequence: intron variant.
Genome position (GRCh38, 1-based): chr17:29,477,647, A>G. VCF-style: chr17-29477647-A-G. GRCh37 (hg19) VCF-style: chr17-27804665-A-G.
Other names: c.307-14A>G (NM_025142.1).
Identifiers: ClinVar variation 3778705 (VCV003778705.2).